The following is an entry in ClinVar:

NM_015466.4(PTPN23):c.3396G>C (p.Gln1132His)

Gene: PTPN23 (protein tyrosine phosphatase non-receptor type 23; plus strand). Cytogenetic location: 3p21.31.
Variant type: single nucleotide variant.
Coding change: c.3396G>C on transcript NM_015466.4 (MANE Select); coding-DNA position 3396, G replaced by C.
Protein change: p.Gln1132His; replaces glutamine 1132 with histidine.
Molecular consequence: missense variant.
Genome position (GRCh38, 1-based): chr3:47,411,194, G>C. VCF-style: chr3-47411194-G-C. GRCh37 (hg19) VCF-style: chr3-47452684-G-C.
Other names: c.3018G>C, p.Gln1006His (NM_001304482.2); short protein forms Q1006H, Q1132H.
Identifiers: ClinVar variation 2120300 (VCV002120300.4), dbSNP rs776081680, ClinGen allele CA2366269.

ClinVar aggregate classification (germline): Uncertain significance (1 of 4 stars; one submission).

Allele frequency attached by ClinVar (database versions not stated): TOPMed below 0.00001; ExAC 0.00001.
gnomAD v4.1: 17 of 1,603,968 alleles (0.0011%); highest among the groups gnomAD compares: Non-Finnish European, 0.0013%; no homozygotes.

Submission:

Labcorp Genetics (formerly Invitae), Labcorp
Classification: Uncertain significance. Last evaluated: 2022-03-28. Review status: criteria provided, single submitter. Criteria: Invitae Variant Classification Sherloc (09022015). Collection method: clinical testing. Allele origin: germline.
Comment: In summary, the available evidence is currently insufficient to determine the role of this variant in disease. Therefore, it has been classified as a Variant of Uncertain Significance. Algorithms developed to predict the effect of missense changes on protein structure and function are either unavailable or do not agree on the potential impact of this missense change (SIFT: "Tolerated"; PolyPhen-2: "Probably Damaging"; Align-GVGD: "Class C0"). This variant has not been reported in the literature in individuals affected with PTPN23-related conditions. This variant is present in population databases (rs776081680, gnomAD 0.003%). This sequence change replaces glutamine, which is neutral and polar, with histidine, which is basic and polar, at codon 1132 of the PTPN23 protein (p.Gln1132His).